The following is an entry in ClinVar:

ClinVar aggregate classification (germline): Likely pathogenic (1 of 4 stars; one submission).

Submission:

Mayo Clinic Laboratories, Mayo Clinic
Classification: Likely pathogenic. Last evaluated: 2022-02-14. Review status: criteria provided, single submitter. Criteria: ACMG Guidelines, 2015. Collection method: clinical testing. Allele origin: germline. Observed: 1 variant allele.
Comment: PP3, PM1, PM2, PM5

NM_000053.4(ATP7B):c.3030G>C (p.Lys1010Asn)

Gene: ATP7B (ATPase copper transporting beta; minus strand). Cytogenetic location: 13q14.3.
Variant type: single nucleotide variant.
Coding change: c.3030G>C on transcript NM_000053.4 (MANE Select); coding-DNA position 3030, G replaced by C.
Protein change: p.Lys1010Asn; replaces lysine 1010 with asparagine.
Molecular consequence: missense variant. On other transcripts: intron variant (6).
Genome position (GRCh38, 1-based): chr13:51,946,314, C>G on the plus strand (G>C on the coding strand, the complement: ATP7B is on the minus strand). VCF-style: chr13-51946314-C-G. GRCh37 (hg19) VCF-style: chr13-52520450-C-G.
Other names: p.Lys1010Asn; c.2409G>C, p.Lys803Asn (NM_001005918.3); c.2697G>C, p.Lys899Asn (NM_001243182.2); c.2796G>C, p.Lys932Asn (NM_001330578.2, NM_001406527.1, NM_001406528.1 and 1 more transcripts); c.2778G>C, p.Lys926Asn (NM_001330579.2, NM_001406531.1, NM_001406532.1); c.3030G>C, p.Lys1010Asn (NM_001406511.1, NM_001406512.1, NM_001406513.1 and 2 more transcripts); c.2997G>C, p.Lys999Asn (NM_001406514.1); c.2976G>C, p.Lys992Asn (NM_001406515.1, NM_001406516.1); and 19 more; short protein forms K1010N, K580N, K794N, K803N, K816N, K848N, K867N, K894N.
Identifiers: ClinVar variation 2683626 (VCV002683626.1), dbSNP rs2547645490, ClinGen allele CA388031898.